The following is an entry in ClinVar:

NM_000173.7(GP1BA):c.700C>T (p.Arg234Cys)

Gene: GP1BA (glycoprotein Ib platelet subunit alpha; plus strand). Cytogenetic location: 17p13.2.
Variant type: single nucleotide variant.
Coding change: c.700C>T on transcript NM_000173.7 (MANE Select); coding-DNA position 700, C replaced by T.
Protein change: p.Arg234Cys; replaces arginine 234 with cysteine.
Molecular consequence: missense variant.
Genome position (GRCh38, 1-based): chr17:4,933,304, C>T. VCF-style: chr17-4933304-C-T. GRCh37 (hg19) VCF-style: chr17-4836599-C-T.
Other names: short protein forms R234C.
Identifiers: ClinVar variation 4985540 (VCV004985540.1).

ClinVar aggregate classification (germline): Uncertain significance (1 of 4 stars; one submission).

Conditions:
GP1BA-related disorder. Also called: GP1BA-related condition.

Submission:

PreventionGenetics, part of Exact Sciences
Classification: Uncertain significance for GP1BA-related condition. Last evaluated: 2025-05-15. Review status: criteria provided, single submitter. Criteria: ACMG Guidelines, 2015. Collection method: clinical testing. Allele origin: germline.
Comment: The GP1BA c.700C>T variant is predicted to result in the amino acid substitution p.Arg234Cys. To our knowledge, this variant has not been reported in the literature. This variant is reported in 0.045% of alleles in individuals of African descent in gnomAD. At this time, the clinical significance of this variant is uncertain due to the absence of conclusive functional and genetic evidence.